The following is an entry in ClinVar:

ClinVar aggregate classification (germline): Uncertain significance (1 of 4 stars; one submission).

Conditions:
Hereditary cancer-predisposing syndrome. Also called: Neoplastic Syndromes, Hereditary; Tumor predisposition; Hereditary neoplastic syndrome; Hereditary Cancer Syndrome. Identifiers: Orphanet 140162, MedGen C0027672, MeSH D009386, MONDO:0015356.

Submission:

Ambry Genetics
Classification: Uncertain significance for Hereditary cancer-predisposing syndrome. Last evaluated: 2023-12-04. Review status: criteria provided, single submitter. Criteria: Ambry Variant Classification Scheme 2023. Collection method: clinical testing. Allele origin: germline.
Comment: The p.I1644S variant (also known as c.4931T>G), located in coding exon 22 of the DICER1 gene, results from a T to G substitution at nucleotide position 4931. The isoleucine at codon 1644 is replaced by serine, an amino acid with dissimilar properties. This amino acid position is conserved. In addition, this alteration is predicted to be deleterious by in silico analysis. Since supporting evidence is limited at this time, the clinical significance of this alteration remains unclear.

NM_177438.3(DICER1):c.4931T>G (p.Ile1644Ser)

Gene: DICER1 (dicer 1, ribonuclease III; minus strand). Cytogenetic location: 14q32.13.
Variant type: single nucleotide variant.
Coding change: c.4931T>G on transcript NM_177438.3 (MANE Select); coding-DNA position 4931, T replaced by G.
Protein change: p.Ile1644Ser; replaces isoleucine 1644 with serine.
Molecular consequence: missense variant. On other transcripts: non-coding transcript variant (6).
Genome position (GRCh38, 1-based): chr14:95,095,989, A>C on the plus strand (T>G on the coding strand, the complement: DICER1 is on the minus strand). VCF-style: chr14-95095989-A-C. GRCh37 (hg19) VCF-style: chr14-95562326-A-C.
Other names: c.4931T>G, p.Ile1644Ser (NM_001195573.1, NM_001271282.3, NM_001291628.2 and 13 more transcripts); c.4649T>G, p.Ile1550Ser (NM_001395686.1); c.4526T>G, p.Ile1509Ser (NM_001395687.1, NM_001395688.1, NM_001395689.1 and 2 more transcripts); c.4364T>G, p.Ile1455Ser (NM_001395691.1); c.3248T>G, p.Ile1083Ser (NM_001395697.1); short protein forms I1083S, I1455S, I1509S, I1550S, I1644S.
Identifiers: ClinVar variation 3229422 (VCV003229422.1), dbSNP rs1566753944, ClinGen allele CA390866286.